The following is an entry in ClinVar:

NM_006306.4(SMC1A):c.3368G>A (p.Arg1123Gln)

Gene: SMC1A (structural maintenance of chromosomes 1A; minus strand). Cytogenetic location: Xp11.22.
Variant type: single nucleotide variant.
Coding change: c.3368G>A on transcript NM_006306.4 (MANE Select); coding-DNA position 3368, G replaced by A.
Protein change: p.Arg1123Gln; replaces arginine 1123 with glutamine.
Molecular consequence: missense variant.
Genome position (GRCh38, 1-based): chrX:53,382,301, C>T on the plus strand (G>A on the coding strand, the complement: SMC1A is on the minus strand). VCF-style: chrX-53382301-C-T. GRCh37 (hg19) VCF-style: chrX-53409222-C-T.
Other names: c.3302G>A, p.Arg1101Gln (NM_001281463.1); short protein forms R1101Q, R1123Q.
Identifiers: ClinVar variation 3799028 (VCV003799028.1).
Genomic context (GRCh38, chrX:53,382,301, plus strand): 5'-GCAAAGAGCAGGGCCAGAGCTGCCACTGTCTTCTCCCCGCCTGACAAGTTGTCCATAGGC[C>T]GGAAGCGTTTCCCAGGAGCCACACAGTTGTAGTTGATGCCATCCAAGTAGGGCTCTTCAG-3'
Protein context (NP_006297.2, residues 1113-1133): YNCVAPGKRF[Arg1123Gln]PMDNLSGGEK

ClinVar aggregate classification (germline): Uncertain significance (1 of 4 stars; one submission).

Conditions:
Inborn genetic diseases. Identifiers: MedGen C0950123, MeSH D030342.

Submission:

Ambry Genetics
Classification: Uncertain significance for Inborn genetic diseases. Last evaluated: 2025-02-18. Review status: criteria provided, single submitter. Criteria: Ambry Variant Classification Scheme 2023. Collection method: clinical testing. Allele origin: germline.
Comment: The c.3368G>A (p.R1123Q) alteration is located in exon 22 (coding exon 22) of the SMC1A gene. This alteration results from a G to A substitution at nucleotide position 3368, causing the arginine (R) at amino acid position 1123 to be replaced by a glutamine (Q). This variant was not reported in population-based cohorts in the Genome Aggregation Database (gnomAD). Other variant(s) at the same codon, c.3367C>T (p.R1123W), have been identified in individual(s) with features consistent with SMC1A-related Cornelia de Lange syndrome (Liu, 2009). This amino acid position is highly conserved in available vertebrate species. This missense alteration is located in a region that has a low rate of benign missense variation (Lek, 2016; Firth, 2009). The in silico prediction for this alteration is inconclusive. Based on insufficient or conflicting evidence, the clinical significance of this alteration remains unclear.

Literature cited by the submitters: PubMed 19701948.